The following is an entry in ClinVar:

ClinVar aggregate classification (germline): Uncertain significance (1 of 4 stars; one submission).

gnomAD v4.1: 19 of 1,608,376 alleles (0.0012%); highest among the groups gnomAD compares: Non-Finnish European, 0.0015%; no homozygotes.

Submission:

Labcorp Genetics (formerly Invitae), Labcorp
Classification: Uncertain significance. Last evaluated: 2025-11-18. Review status: criteria provided, single submitter. Criteria: Invitae Variant Classification Sherloc (09022015). Collection method: clinical testing. Allele origin: germline.
Comment: This sequence change replaces aspartic acid, which is acidic and polar, with glycine, which is neutral and non-polar, at codon 542 of the PRDM13 protein (p.Asp542Gly). This variant is present in population databases (no rsID available, gnomAD 0.003%). This variant has not been reported in the literature in individuals affected with PRDM13-related conditions. An algorithm developed to predict the effect of missense changes on protein structure and function (PolyPhen-2) suggests that this variant is likely to be disruptive. In summary, the available evidence is currently insufficient to determine the role of this variant in disease. Therefore, it has been classified as a Variant of Uncertain Significance.

NM_021620.4(PRDM13):c.1625A>G (p.Asp542Gly)

Gene: PRDM13 (PR/SET domain 13; plus strand). Cytogenetic location: 6q16.2.
Variant type: single nucleotide variant.
Coding change: c.1625A>G on transcript NM_021620.4 (MANE Select); coding-DNA position 1625, A replaced by G.
Protein change: p.Asp542Gly; replaces aspartic acid 542 with glycine.
Molecular consequence: missense variant.
Genome position (GRCh38, 1-based): chr6:99,614,260, A>G. VCF-style: chr6-99614260-A-G. GRCh37 (hg19) VCF-style: chr6-100062136-A-G.
Other names: short protein forms D542G.
Identifiers: ClinVar variation 4711597 (VCV004711597.1).